The following is an entry in ClinVar:

NM_000051.4(ATM):c.8428A>G (p.Lys2810Glu)

Genes: C11orf65 (chromosome 11 open reading frame 65; minus strand), ATM (ATM serine/threonine kinase; plus strand). Cytogenetic location: 11q22.3.
Variant type: single nucleotide variant.
Coding change: c.8428A>G on transcript NM_000051.4 (MANE Select); coding-DNA position 8428, A replaced by G.
Protein change: p.Lys2810Glu; replaces lysine 2810 with glutamic acid.
Molecular consequence: missense variant. On other transcripts: intron variant (2).
Genome position (GRCh38, 1-based): chr11:108,345,752, A>G. VCF-style: chr11-108345752-A-G. GRCh37 (hg19) VCF-style: chr11-108216479-A-G.
Other names: c.695-10460T>C (NM_001351110.2); c.8428A>G, p.Lys2810Glu (NM_001351834.2); c.641-36681T>C (NM_001330368.2); short protein forms K2810E.
Identifiers: ClinVar variation 407586 (VCV000407586.10), dbSNP rs730881325, ClinGen allele CA16613453.
Genomic context (GRCh38, chr11:108,345,752, plus strand): 5'-TTTAATTGAACACAATATTGAAAAATAATTATATATATTCTCTATTTAAAGGAGGTGCAA[A>G]AAAAGTCTTTTGAAGAGAAATATGAAGTCTTCATGGATGTTTGCCAAAATTTTCAACCAG-3'
Protein context (NP_000042.3, residues 2800-2820): QCQKKMMEVQ[Lys2810Glu]KSFEEKYEVF

ClinVar aggregate classification (germline): Conflicting classifications of pathogenicity. Review status: criteria provided, conflicting classifications (1 of 4 stars). 2 submissions from 2 submitters: Uncertain significance (1); Likely benign (1). Last evaluated 2025-02-18.

Conditions:
Hereditary cancer-predisposing syndrome. Also called: Neoplastic Syndromes, Hereditary; Hereditary Cancer Syndrome; Tumor predisposition; Hereditary neoplastic syndrome. Identifiers: Orphanet 140162, MedGen C0027672, MeSH D009386, MONDO:0015356.
Ataxia-telangiectasia syndrome (AT). Also called: LOUIS-BAR SYNDROME; Cerebello-oculocutaneous telangiectasia; Immunodeficiency with ataxia telangiectasia; Ataxia-telangiectasia, complementation group D; AT, COMPLEMENTATION GROUP C; Ataxia-telangiectasia, complementation group E. Identifiers: Orphanet 100, MedGen C0004135, MONDO:0008840, OMIM 208900.

Allele frequency attached by ClinVar (database versions not stated): TOPMed 0.00001.
gnomAD v4.1: 2 of 1,610,722 alleles (0.00012%); highest among the groups gnomAD compares: Non-Finnish European, 0.00017%; no homozygotes.

Submissions (2):

Labcorp Genetics (formerly Invitae), Labcorp
Classification: Uncertain significance for Ataxia-telangiectasia syndrome. Last evaluated: 2025-02-18. Review status: criteria provided, single submitter. Criteria: Invitae Variant Classification Sherloc (09022015). Collection method: clinical testing. Allele origin: germline.
Comment: This sequence change replaces lysine, which is basic and polar, with glutamic acid, which is acidic and polar, at codon 2810 of the ATM protein (p.Lys2810Glu). This variant is present in population databases (no rsID available, gnomAD 0.007%). This variant has not been reported in the literature in individuals affected with ATM-related conditions. ClinVar contains an entry for this variant (Variation ID: 407586). Invitae Evidence Modeling of protein sequence and biophysical properties (such as structural, functional, and spatial information, amino acid conservation, physicochemical variation, residue mobility, and thermodynamic stability) indicates that this missense variant is not expected to disrupt ATM protein function with a negative predictive value of 95%. In summary, the available evidence is currently insufficient to determine the role of this variant in disease. Therefore, it has been classified as a Variant of Uncertain Significance.

Ambry Genetics
Classification: Likely benign for Hereditary cancer-predisposing syndrome. Last evaluated: 2024-09-27. Review status: criteria provided, single submitter. Criteria: Ambry Variant Classification Scheme 2023. Collection method: clinical testing. Allele origin: germline.